The following is an entry in ClinVar:

NM_007194.4(CHEK2):c.1376-1G>A

Gene: CHEK2 (checkpoint kinase 2; minus strand). Cytogenetic location: 22q12.1.
Variant type: single nucleotide variant.
Coding change: c.1376-1G>A on transcript NM_007194.4 (MANE Select); the canonical splice acceptor site of the intron before coding-DNA position 1376, G replaced by A.
Molecular consequence: splice acceptor variant.
Genome position (GRCh38, 1-based): chr22:28,694,118, C>T on the plus strand (G>A on the coding strand, the complement: CHEK2 is on the minus strand). VCF-style: chr22-28694118-C-T. GRCh37 (hg19) VCF-style: chr22-29090106-C-T.
Other names: c.713-1G>A (NM_001437942.1, NM_001257387.3); c.1175-1G>A (NM_001349956.3); c.1289-1G>A (NM_145862.3); c.1382-1G>A (NM_001438295.1); c.1469-1G>A (NM_001438293.1); c.1418-1G>A (NM_001438294.1); c.1505-1G>A (NM_001005735.3).
Identifiers: ClinVar variation 231667 (VCV000231667.15), dbSNP rs876659287, ClinGen allele CA10581034.

ClinVar aggregate classification (germline): Likely pathogenic. Review status: criteria provided, multiple submitters, no conflicts (2 of 4 stars). 2 submissions from 2 submitters: Likely pathogenic (2). Last evaluated 2025-05-27.

Conditions:
Hereditary cancer-predisposing syndrome. Also called: Neoplastic Syndromes, Hereditary; Tumor predisposition; Hereditary Cancer Syndrome; Hereditary neoplastic syndrome. Identifiers: Orphanet 140162, MedGen C0027672, MeSH D009386, MONDO:0015356.
Familial cancer of breast. Also called: BREAST CANCER, FAMILIAL; hereditary breast carcinoma; Hereditary breast cancer. Identifiers: Orphanet 227535, MedGen C0346153, MONDO:0016419, OMIM 114480. Disease mechanism: loss of function.

Submissions (2):

Labcorp Genetics (formerly Invitae), Labcorp
Classification: Likely pathogenic for Familial cancer of breast. Last evaluated: 2025-05-27. Review status: criteria provided, single submitter. Criteria: Invitae Variant Classification Sherloc (09022015). Collection method: clinical testing. Allele origin: germline.
Comment: This sequence change affects an acceptor splice site in intron 12 of the CHEK2 gene. It is expected to disrupt RNA splicing. Variants that disrupt the donor or acceptor splice site typically lead to a loss of protein function (PMID: 16199547), and loss-of-function variants in CHEK2 are known to be pathogenic (PMID: 21876083, 24713400). This variant is not present in population databases (gnomAD no frequency). This variant has not been reported in the literature in individuals affected with CHEK2-related conditions. ClinVar contains an entry for this variant (Variation ID: 231667). Algorithms developed to predict the effect of sequence changes on RNA splicing suggest that this variant may disrupt the consensus splice site. In summary, the currently available evidence indicates that the variant is pathogenic, but additional data are needed to prove that conclusively. Therefore, this variant has been classified as Likely Pathogenic.

Ambry Genetics
Classification: Likely pathogenic for Hereditary cancer-predisposing syndrome. Last evaluated: 2025-01-31. Review status: criteria provided, single submitter. Criteria: Ambry Variant Classification Scheme 2023. Collection method: clinical testing. Allele origin: germline.
Comment: The c.1376-1G>A intronic variant results from a G to A substitution one nucleotide upstream from coding exon 12 of the CHEK2 gene. This nucleotide position is highly conserved in available vertebrate species. In silico splice site analysis predicts that this alteration will weaken the native splice acceptor site and will result in the creation or strengthening of a novel splice acceptor site. This variant is considered to be rare based on population cohorts in the Genome Aggregation Database (gnomAD). Alterations that disrupt the canonical splice site are expected to cause aberrant splicing, resulting in an abnormal protein or a transcript that is subject to nonsense-mediated mRNA decay. As such, this alteration is classified as likely pathogenic.

Literature cited by the submitters: PubMed 16199547 (cited by Labcorp Genetics (formerly Invitae), Labcorp); PubMed 21876083 (cited by Labcorp Genetics (formerly Invitae), Labcorp); PubMed 24713400 (cited by Labcorp Genetics (formerly Invitae), Labcorp).